The following is an entry in ClinVar:

NM_006329.4(FBLN5):c.1327G>A (p.Val443Met)

Gene: FBLN5 (fibulin 5; minus strand). Cytogenetic location: 14q32.12.
Variant type: single nucleotide variant.
Coding change: c.1327G>A on transcript NM_006329.4 (MANE Select); coding-DNA position 1327, G replaced by A.
Protein change: p.Val443Met; replaces valine 443 with methionine.
Molecular consequence: missense variant. On other transcripts: 3 prime UTR variant (2).
Genome position (GRCh38, 1-based): chr14:91,870,244, C>T on the plus strand (G>A on the coding strand, the complement: FBLN5 is on the minus strand). VCF-style: chr14-91870244-C-T. GRCh37 (hg19) VCF-style: chr14-92336588-C-T.
Other names: c.1450G>A, p.Val484Met (NM_001384158.1); c.1378G>A, p.Val460Met (NM_001384159.1); c.*111G>A (NM_001384160.1, NM_001384161.1); c.1159G>A, p.Val387Met (NM_001384162.1); short protein forms V387M, V443M, V460M, V484M.
Identifiers: ClinVar variation 1346880 (VCV001346880.6), dbSNP rs755875400, ClinGen allele CA7312561.

ClinVar aggregate classification (germline): Uncertain significance (1 of 4 stars; one submission).

Allele frequency attached by ClinVar (database versions not stated): gnomAD exomes below 0.00001 and 0.00001; ExAC 0.00001.
gnomAD v4.1: 5 of 1,614,208 alleles (0.00031%); highest among the groups gnomAD compares: African/African-American, 0.0013%; no homozygotes.

Submission:

Labcorp Genetics (formerly Invitae), Labcorp
Classification: Uncertain significance. Last evaluated: 2024-09-17. Review status: criteria provided, single submitter. Criteria: Invitae Variant Classification Sherloc (09022015). Collection method: clinical testing. Allele origin: germline.
Comment: This sequence change replaces valine, which is neutral and non-polar, with methionine, which is neutral and non-polar, at codon 443 of the FBLN5 protein (p.Val443Met). The frequency data for this variant in the population databases is considered unreliable, as metrics indicate poor data quality at this position in the gnomAD database. This variant has not been reported in the literature in individuals affected with FBLN5-related conditions. ClinVar contains an entry for this variant (Variation ID: 1346880). Invitae Evidence Modeling of protein sequence and biophysical properties (such as structural, functional, and spatial information, amino acid conservation, physicochemical variation, residue mobility, and thermodynamic stability) indicates that this missense variant is expected to disrupt FBLN5 protein function with a positive predictive value of 80%. In summary, the available evidence is currently insufficient to determine the role of this variant in disease. Therefore, it has been classified as a Variant of Uncertain Significance.